The following is an entry in ClinVar:

NM_005120.3(MED12):c.4832G>A (p.Arg1611His)

Gene: MED12 (mediator complex subunit 12; plus strand). Cytogenetic location: Xq13.1.
Variant type: single nucleotide variant.
Coding change: c.4832G>A on transcript NM_005120.3 (MANE Select); coding-DNA position 4832, G replaced by A.
Protein change: p.Arg1611His; replaces arginine 1611 with histidine.
Molecular consequence: missense variant.
Genome position (GRCh38, 1-based): chrX:71,134,817, G>A. VCF-style: chrX-71134817-G-A. GRCh37 (hg19) VCF-style: chrX-70354667-G-A.
Other names: short protein forms R1611H.
Identifiers: ClinVar variation 589282 (VCV000589282.14), dbSNP rs1569482153, ClinGen allele CA413532631.

ClinVar aggregate classification (germline): Conflicting classifications of pathogenicity. Review status: criteria provided, conflicting classifications (1 of 4 stars). 7 submissions from 7 submitters: Pathogenic (1); Likely pathogenic (2); Uncertain significance (2). 2 of the submissions do not count toward it. Last evaluated 2025-12-21.

Conditions:
FG syndrome (FGS). Identifiers: MedGen C0220769, MONDO:0002010.
X-linked MED12-related disorder.
Familial thoracic aortic aneurysm and aortic dissection (TAAD). Also called: Thoracic aortic aneurysms and dissections. Identifiers: Orphanet 91387, MedGen C4707243, MONDO:0019625.
FG syndrome 1 (OKS). Also called: OPITZ-KAVEGGIA SYNDROME; FG Syndrome Type 1 (FGS1); KELLER SYNDROME; MENTAL RETARDATION, LARGE HEAD, IMPERFORATE ANUS, CONGENITAL HYPOTONIA, AND PARTIAL AGENESIS OF CORPUS CALLOSUM. Identifiers: Orphanet 93932, MedGen C5399762, MONDO:0010590, OMIM 305450.
Intellectual disability. Also called: Intellectual developmental disorder; Intellectual functioning disability; intellectual disabilities. Identifiers: MedGen C3714756, MeSH D008607, MONDO:0001071, HP:0001249.

Submissions (7):

Labcorp Genetics (formerly Invitae), Labcorp
Classification: Likely pathogenic for FG syndrome. Last evaluated: 2025-12-21. Review status: criteria provided, single submitter. Criteria: Invitae Variant Classification Sherloc (09022015). Collection method: clinical testing. Allele origin: germline.
Comment: This sequence change replaces arginine, which is basic and polar, with histidine, which is basic and polar, at codon 1611 of the MED12 protein (p.Arg1611His). This variant is not present in population databases (gnomAD no frequency). This missense change has been observed in individual(s) with clinical features of MED12-related conditions (PMID: 28544239, 39215511, 39843441; internal data). In at least one individual the variant was observed to be de novo. ClinVar contains an entry for this variant (Variation ID: 589282). Invitae Evidence Modeling of protein sequence and biophysical properties (such as structural, functional, and spatial information, amino acid conservation, physicochemical variation, residue mobility, and thermodynamic stability) has been performed for this missense variant. However, the output from this modeling did not meet the statistical confidence thresholds required to predict the impact of this variant on MED12 protein function. In summary, the currently available evidence indicates that the variant is pathogenic, but additional data are needed to prove that conclusively. Therefore, this variant has been classified as Likely Pathogenic.

Genomic Medicine Center of Excellence, King Faisal Specialist Hospital and Research Centre
Classification: Uncertain significance for FG syndrome 1. Last evaluated: 2025-09-10. Review status: criteria provided, single submitter. Criteria: ACMG Guidelines, 2015. Collection method: clinical testing. Allele origin: germline.

GeneDx
Classification: Pathogenic. Last evaluated: 2025-07-08. Review status: criteria provided, single submitter. Criteria: GeneDx Variant Classification Process June 2021. Collection method: clinical testing. Allele origin: germline. Affected: yes.
Comment: Not observed at significant frequency in large population cohorts (gnomAD); In silico analysis supports that this missense variant has a deleterious effect on protein structure/function; This variant is associated with the following publications: (PMID: 28544239)

Raymond Lab, University of Cambridge
Classification: Likely pathogenic for Intellectual disability. Last evaluated: 2019-02-13. Review status: criteria provided, single submitter. Criteria: ACMG Guidelines, 2015. Collection method: research. Allele origin: unknown. Affected: yes. Observed: 2 variant alleles.

Ambry Genetics
Classification: Uncertain significance for Familial thoracic aortic aneurysm and aortic dissection. Last evaluated: 2016-05-12. Review status: criteria provided, single submitter. Criteria: Ambry Variant Classification Scheme 2023. Collection method: clinical testing. Allele origin: germline.
Comment: The p.R1611H variant (also known as c.4832G>A), located in coding exon 35 of the MED12 gene, results from a G to A substitution at nucleotide position 4832. The arginine at codon 1611 is replaced by histidine, an amino acid with highly similar properties. This variant co-segregated with disease in one family tested in our laboratory. This variant lies in an uncharacterized region of the MED12 gene and it's structural impact is unknown (Ambry internal data). This amino acid position is highly conserved in available vertebrate species. In addition, this alteration is predicted to be deleterious by in silico analysis. Since supporting evidence is limited at this time, the clinical significance of this alteration remains unclear.

Biochemical Molecular Genetic Laboratory, King Abdulaziz Medical City
Classification: Uncertain significance for X-linked MED12-related disorder. Last evaluated: 2019-08-25. Review status: no assertion criteria provided. Collection method: clinical testing. Allele origin: germline. Affected: yes. Not counted in ClinVar's aggregate classification.

GeneReviews
No classification provided. Condition: FG syndrome. Review status: no classification provided. Collection method: literature only. Allele origin: germline. Not counted in ClinVar's aggregate classification.

Literature cited by the submitters: PubMed 28544239 (cited by 3 submitters); PubMed 39215511 (cited by Labcorp Genetics (formerly Invitae), Labcorp); PubMed 39843441 (cited by Labcorp Genetics (formerly Invitae), Labcorp); PubMed 20301719 (cited by GeneReviews).